The following is an entry in ClinVar:

NM_022168.4(IFIH1):c.1525-4C>T

Gene: IFIH1 (interferon induced with helicase C domain 1; minus strand). Cytogenetic location: 2q24.2.
Variant type: single nucleotide variant.
Coding change: c.1525-4C>T on transcript NM_022168.4 (MANE Select); 4 bases into the intron before coding-DNA position 1525, C replaced by T.
Molecular consequence: intron variant.
Genome position (GRCh38, 1-based): chr2:162,280,116, G>A on the plus strand (C>T on the coding strand, the complement: IFIH1 is on the minus strand). VCF-style: chr2-162280116-G-A. GRCh37 (hg19) VCF-style: chr2-163136626-G-A.
Other names: p.?.
Identifiers: ClinVar variation 1086390 (VCV001086390.11), dbSNP rs147768128, ClinGen allele CA1934493.

ClinVar aggregate classification (germline): Likely benign. Review status: criteria provided, multiple submitters, no conflicts (2 of 4 stars). 3 submissions from 3 submitters: Likely benign (3). Last evaluated 2025-08-25.

Conditions:
Singleton-Merten syndrome 1 (SGMRT1). Also called: Widened medullary cavities of bone, aortic calcification, abnormal dentition, and muscular weakness; Syndrome of widened medullary cavities of the metacarpals and phalanges, aortic calcification and abnormal dentition. Identifiers: Orphanet 85191, MedGen C4225427, MONDO:0024535, OMIM 182250.
Aicardi-Goutieres syndrome 7 (AGS7). Identifiers: Orphanet 51, MedGen C3888244, MONDO:0014367, OMIM 615846.

Allele frequency attached by ClinVar (database versions not stated): gnomAD 0.00001; ExAC 0.00002; gnomAD exomes 0.00002 and 0.00003.
gnomAD v4.1: 24 of 1,405,886 alleles (0.0017%); highest among the groups gnomAD compares: Non-Finnish European, 0.0023%; no homozygotes.

Submissions (3):

Labcorp Genetics (formerly Invitae), Labcorp
Classification: Likely benign for Aicardi-Goutieres syndrome 7; Singleton-Merten syndrome 1. Last evaluated: 2025-08-25. Review status: criteria provided, single submitter. Criteria: Invitae Variant Classification Sherloc (09022015). Collection method: clinical testing. Allele origin: germline.

Mayo Clinic Laboratories, Mayo Clinic
Classification: Likely benign. Last evaluated: 2025-07-21. Review status: criteria provided, single submitter. Criteria: ACMG Guidelines, 2015. Collection method: clinical testing. Allele origin: germline. Observed: 1 variant allele.
Comment: BP4, BP7

Blueprint Genetics
Classification: Likely benign. Last evaluated: 2024-09-30. Review status: criteria provided, single submitter. Criteria: ACMG Guidelines, 2015. Collection method: clinical testing. Allele origin: germline.